The following is an entry in ClinVar:

NM_015311.3(OBSL1):c.4115A>G (p.His1372Arg)

Gene: OBSL1 (obscurin like cytoskeletal adaptor 1; minus strand). Cytogenetic location: 2q35.
Variant type: single nucleotide variant.
Coding change: c.4115A>G on transcript NM_015311.3 (MANE Select); coding-DNA position 4115, A replaced by G.
Protein change: p.His1372Arg; replaces histidine 1372 with arginine.
Molecular consequence: missense variant.
Genome position (GRCh38, 1-based): chr2:219,556,675, T>C on the plus strand (A>G on the coding strand, the complement: OBSL1 is on the minus strand). VCF-style: chr2-219556675-T-C. GRCh37 (hg19) VCF-style: chr2-220421397-T-C.
Other names: c.4115A>G, p.His1372Arg (NM_001173431.2); short protein forms H1372R.
Identifiers: ClinVar variation 2055287 (VCV002055287.4), dbSNP rs774082273, ClinGen allele CA2130660.

ClinVar aggregate classification (germline): Uncertain significance (1 of 4 stars; one submission).

Allele frequency attached by ClinVar (database versions not stated): ExAC 0.00001.
gnomAD v4.1: 1 of 1,611,078 alleles (0.000062%); highest among the groups gnomAD compares: East Asian, 0.0022%; no homozygotes.

Submission:

Labcorp Genetics (formerly Invitae), Labcorp
Classification: Uncertain significance. Last evaluated: 2022-10-24. Review status: criteria provided, single submitter. Criteria: Invitae Variant Classification Sherloc (09022015). Collection method: clinical testing. Allele origin: germline.
Comment: Algorithms developed to predict the effect of missense changes on protein structure and function (SIFT, PolyPhen-2, Align-GVGD) all suggest that this variant is likely to be tolerated. This sequence change replaces histidine, which is basic and polar, with arginine, which is basic and polar, at codon 1372 of the OBSL1 protein (p.His1372Arg). This variant is not present in population databases (gnomAD no frequency). This variant has not been reported in the literature in individuals affected with OBSL1-related conditions. In summary, the available evidence is currently insufficient to determine the role of this variant in disease. Therefore, it has been classified as a Variant of Uncertain Significance.